The following is an entry in ClinVar:

NM_000520.6(HEXA):c.1250C>G (p.Ser417Cys)

Gene: HEXA (hexosaminidase subunit alpha; minus strand). Cytogenetic location: 15q23.
Variant type: single nucleotide variant.
Coding change: c.1250C>G on transcript NM_000520.6 (MANE Select); coding-DNA position 1250, C replaced by G.
Protein change: p.Ser417Cys; replaces serine 417 with cysteine.
Molecular consequence: missense variant.
Genome position (GRCh38, 1-based): chr15:72,346,607, G>C on the plus strand (C>G on the coding strand, the complement: HEXA is on the minus strand). VCF-style: chr15-72346607-G-C. GRCh37 (hg19) VCF-style: chr15-72638948-G-C.
Other names: c.1283C>G, p.Ser428Cys (NM_001318825.2); short protein forms S428C, S417C.
Identifiers: ClinVar variation 1979394 (VCV001979394.1), dbSNP rs1321597225, ClinGen allele CA393060824.
Genomic context (GRCh38, chr15:72,346,607, plus strand): 5'-ACTATGTAGAAATCCTTCCAGTCAGGGCCATAGGATATACGGTTCAGGTACCAGGGGGCA[G>C]AGAGAAGGGCCCGGAAGCCGGCCTTGGTGACCAGTTCCAGCTCCTTCATATAGTTCACTG-3'
Protein context (NP_000511.2, residues 407-427): VTKAGFRALL[Ser417Cys]APWYLNRISY

ClinVar aggregate classification (germline): Uncertain significance (1 of 4 stars; one submission).

Conditions:
Tay-Sachs disease (TSD). Also called: HEXA Disorders; HEXA DEFICIENCY; GM2 gangliosidosis, type 1; Hexosaminidase alpha-subunit deficiency (variant B); Sphingolipidosis, Tay-Sachs; Hexosaminidase A Deficiency. Identifiers: Orphanet 845, MedGen C0039373, MONDO:0010100, OMIM 272800.

Allele frequency attached by ClinVar (database versions not stated): gnomAD exomes below 0.00001.
gnomAD v4.1: 2 of 1,614,148 alleles (0.00012%); highest among the groups gnomAD compares: Non-Finnish European, 0.00017%; no homozygotes.

Submission:

Labcorp Genetics (formerly Invitae), Labcorp
Classification: Uncertain significance for Tay-Sachs disease. Last evaluated: 2022-08-13. Review status: criteria provided, single submitter. Criteria: Invitae Variant Classification Sherloc (09022015). Collection method: clinical testing. Allele origin: germline.
Comment: This sequence change replaces serine, which is neutral and polar, with cysteine, which is neutral and slightly polar, at codon 417 of the HEXA protein (p.Ser417Cys). This variant is not present in population databases (gnomAD no frequency). This variant has not been reported in the literature in individuals affected with HEXA-related conditions. Algorithms developed to predict the effect of missense changes on protein structure and function are either unavailable or do not agree on the potential impact of this missense change (SIFT: "Deleterious"; PolyPhen-2: "Probably Damaging"; Align-GVGD: "Class C0"). In summary, the available evidence is currently insufficient to determine the role of this variant in disease. Therefore, it has been classified as a Variant of Uncertain Significance.